The following is an entry in ClinVar:

NM_004589.4(SCO1):c.61C>G (p.Arg21Gly)

Genes: SCO1 (synthesis of cytochrome C oxidase 1; minus strand), LOC112529895 (Sharpr-MPRA regulatory region 5903; plus strand). Cytogenetic location: 17p13.1.
Variant type: single nucleotide variant.
Coding change: c.61C>G on transcript NM_004589.4 (MANE Select); coding-DNA position 61, C replaced by G.
Protein change: p.Arg21Gly; replaces arginine 21 with glycine.
Molecular consequence: missense variant.
Genome position (GRCh38, 1-based): chr17:10,697,447, G>C on the plus strand (C>G on the coding strand, the complement: SCO1 is on the minus strand). VCF-style: chr17-10697447-G-C. GRCh37 (hg19) VCF-style: chr17-10600764-G-C.
Other names: short protein forms R21G.
Identifiers: ClinVar variation 215121 (VCV000215121.3), dbSNP rs755735968, ClinGen allele CA321813.

ClinVar aggregate classification (germline): Uncertain significance. Review status: criteria provided, multiple submitters, no conflicts (2 of 4 stars). 2 submissions from 2 submitters: Uncertain significance (2). Last evaluated 2025-06-23.

Conditions:
Mitochondrial complex IV deficiency, nuclear type 4. Also called: Mitochondrial complex 4 deficiency, nuclear type 4. Identifiers: MedGen C5436683, MONDO:0033636, OMIM 619048.

Allele frequency attached by ClinVar (database versions not stated): gnomAD exomes 0.00001 and 0.00006; TOPMed 0.00002; gnomAD 0.00004.
gnomAD v4.1: 111 of 1,612,842 alleles (0.0069%); highest among the groups gnomAD compares: Non-Finnish European, 0.0081%; no homozygotes.

Submissions (2):

GeneDx
Classification: Uncertain significance. Last evaluated: 2025-06-23. Review status: criteria provided, single submitter. Criteria: GeneDx Variant Classification Process June 2021. Collection method: clinical testing. Allele origin: germline. Affected: yes.
Comment: Not observed at significant frequency in large population cohorts (gnomAD); In silico analysis suggests that this missense variant does not alter protein structure/function; Has not been previously published as pathogenic or benign to our knowledge

Department of Pathology and Laboratory Medicine, Sinai Health System
Classification: Uncertain significance for Mitochondrial complex IV deficiency, nuclear type 4. Last evaluated: 2023-11-09. Review status: criteria provided, single submitter. Criteria: ACMG Guidelines, 2015. Collection method: research. Allele origin: germline.